The following is an entry in ClinVar:

NM_001849.4(COL6A2):c.1748C>G (p.Pro583Arg)

Gene: COL6A2 (collagen type VI alpha 2 chain; plus strand). Cytogenetic location: 21q22.3.
Variant type: single nucleotide variant.
Coding change: c.1748C>G on transcript NM_001849.4 (MANE Select); coding-DNA position 1748, C replaced by G.
Protein change: p.Pro583Arg; replaces proline 583 with arginine.
Molecular consequence: missense variant.
Genome position (GRCh38, 1-based): chr21:46,124,898, C>G. VCF-style: chr21-46124898-C-G. GRCh37 (hg19) VCF-style: chr21-47544812-C-G.
Other names: c.1748C>G, p.Pro583Arg (NM_058174.3, NM_058175.3); short protein forms P583R.
Identifiers: ClinVar variation 839275 (VCV000839275.13), dbSNP rs917875281, ClinGen allele CA410537578.

ClinVar aggregate classification (germline): Uncertain significance (1 of 4 stars; one submission).

Conditions:
Bethlem myopathy 1A. Also called: MYOPATHY, BENIGN CONGENITAL, WITH CONTRACTURES; Bethlem Muscular Dystrophy; Bethlem myopathy 1. Identifiers: Orphanet 610, MedGen CN029274, MONDO:0024530, OMIM 158810.

Allele frequency attached by ClinVar (database versions not stated): gnomAD 0.00001; gnomAD exomes 0.00001; TOPMed 0.00002.
gnomAD v4.1: 12 of 1,612,812 alleles (0.00074%); highest among the groups gnomAD compares: Non-Finnish European, 0.001%; no homozygotes.

Submission:

Labcorp Genetics (formerly Invitae), Labcorp
Classification: Uncertain significance for Bethlem myopathy 1A. Last evaluated: 2023-11-14. Review status: criteria provided, single submitter. Criteria: Invitae Variant Classification Sherloc (09022015). Collection method: clinical testing. Allele origin: germline.
Comment: This sequence change replaces proline, which is neutral and non-polar, with arginine, which is basic and polar, at codon 583 of the COL6A2 protein (p.Pro583Arg). This variant is present in population databases (no rsID available, gnomAD 0.007%). This variant has not been reported in the literature in individuals affected with COL6A2-related conditions. ClinVar contains an entry for this variant (Variation ID: 839275). Advanced modeling of protein sequence and biophysical properties (such as structural, functional, and spatial information, amino acid conservation, physicochemical variation, residue mobility, and thermodynamic stability) has been performed at Invitae for this missense variant, however the output from this modeling did not meet the statistical confidence thresholds required to predict the impact of this variant on COL6A2 protein function. In summary, the available evidence is currently insufficient to determine the role of this variant in disease. Therefore, it has been classified as a Variant of Uncertain Significance.